The following is an entry in ClinVar:

NM_001127464.1:c.661C>G

Gene: ZNF469 (zinc finger protein 469; plus strand).
Variant type: single nucleotide variant.
Identifiers: ClinVar variation 4083213 (VCV004083213.1).

ClinVar aggregate classification (germline): Uncertain significance (1 of 4 stars; one submission).

Submission:

GeneDx
Classification: Uncertain significance. Last evaluated: 2025-03-11. Review status: criteria provided, single submitter. Criteria: GeneDx Variant Classification Process June 2021. Collection method: clinical testing. Allele origin: germline. Affected: yes.
Comment: Not observed at significant frequency in large population cohorts (gnomAD); In silico analysis indicates that this missense variant does not alter protein structure/function; Has not been previously published as pathogenic or benign to our knowledge